The following is an entry in ClinVar:

NM_003922.4(HERC1):c.9729T>A (p.Ala3243=)

Gene: HERC1 (HECT and RLD domain containing E3 ubiquitin protein ligase family member 1; minus strand). Cytogenetic location: 15q22.31.
Variant type: single nucleotide variant.
Coding change: c.9729T>A on transcript NM_003922.4 (MANE Select); coding-DNA position 9729, T replaced by A.
Protein change: p.Ala3243=; no amino-acid change (alanine 3243 retained).
Molecular consequence: synonymous variant.
Genome position (GRCh38, 1-based): chr15:63,656,229, A>T on the plus strand (T>A on the coding strand, the complement: HERC1 is on the minus strand). VCF-style: chr15-63656229-A-T. GRCh37 (hg19) VCF-style: chr15-63948428-A-T.
Identifiers: ClinVar variation 2181496 (VCV002181496.5), dbSNP rs771737131, ClinGen allele CA7604637.
Genomic context (GRCh38, chr15:63,656,229, plus strand): 5'-CAGGCAAGAGATAGGCTTGTTAGCCTTGCTATGCCCACCTCGTGATCGTTCTGAGGTGCT[A>T]GCCATGGCAGAAGGGCTGGTGGAGAGGCCAGCTCTCCCTGCTGCTGCCAAGCACATTAAT-3'
Protein context (NP_003913.3, residues 3233-3253): AGLSTSPSAM[Ala3243=]STSERSRGGH

ClinVar aggregate classification (germline): Likely benign. Review status: criteria provided, multiple submitters, no conflicts (2 of 4 stars). 2 submissions from 2 submitters: Likely benign (2). Last evaluated 2026-07-01.

Allele frequency attached by ClinVar (database versions not stated): gnomAD 0.00001; gnomAD exomes 0.00003; TOPMed 0.00008; ExAC 0.00013.
gnomAD v4.1: 52 of 1,613,590 alleles (0.0032%); highest among the groups gnomAD compares: Admixed American, 0.05%; no homozygotes.

Submissions (2):

CeGaT Center for Human Genetics Tuebingen
Classification: Likely benign. Last evaluated: 2026-07-01. Review status: criteria provided, single submitter. Criteria: CeGaT Center For Human Genetics Tuebingen Variant Classification Criteria Version 2. Collection method: clinical testing. Allele origin: germline. Affected: yes. Observed: 1 variant allele.
Comment: HERC1: BP4, BP7

Labcorp Genetics (formerly Invitae), Labcorp
Classification: Likely benign. Last evaluated: 2025-08-26. Review status: criteria provided, single submitter. Criteria: Invitae Variant Classification Sherloc (09022015). Collection method: clinical testing. Allele origin: germline.